The following is an entry in ClinVar:

NM_001673.5(ASNS):c.188G>A (p.Arg63Gln)

Genes: ASNS (asparagine synthetase (glutamine-hydrolyzing); minus strand), CZ1P-ASNS (CZ1P-ASNS readthrough; minus strand). Cytogenetic location: 7q21.3.
Variant type: single nucleotide variant.
Coding change: c.188G>A on transcript NM_001673.5 (MANE Select); coding-DNA position 188, G replaced by A.
Protein change: p.Arg63Gln; replaces arginine 63 with glutamine.
Molecular consequence: missense variant. On other transcripts: non-coding transcript variant (1), intron variant (2).
Genome position (GRCh38, 1-based): chr7:97,868,969, C>T on the plus strand (G>A on the coding strand, the complement: ASNS is on the minus strand). VCF-style: chr7-97868969-C-T. GRCh37 (hg19) VCF-style: chr7-97498281-C-T.
Other names: c.125G>A, p.Arg42Gln (NM_001178075.2); c.188G>A, p.Arg63Gln (NM_001352496.2, NM_133436.3, NM_183356.4); c.-1+3382G>A (NM_001178076.2); c.-1+3072G>A (NM_001178077.1); short protein forms R63Q, R42Q.
Identifiers: ClinVar variation 2161645 (VCV002161645.2), dbSNP rs761983860, ClinGen allele CA4354832.
Genomic context (GRCh38, chr7:97,868,969, plus strand): 5'-TTCTTATGGTTGTAGATTTCACCATTGTAACAGAGCCACAAATACGGATATTTCTTCACT[C>T]GAATTGGCTGCATTCCAAACAGCGGGTCAACTACCGCCAACCGGTGAAATCCAAAGCAGC-3'
Protein context (NP_001664.3, residues 53-73): VDPLFGMQPI[Arg63Gln]VKKYPYLWLC

ClinVar aggregate classification (germline): Uncertain significance (1 of 4 stars; one submission).

Allele frequency attached by ClinVar (database versions not stated): gnomAD exomes below 0.00001; ExAC 0.00001.
gnomAD v4.1: 7 of 1,614,178 alleles (0.00043%); highest among the groups gnomAD compares: Non-Finnish European, 0.00059%; no homozygotes.

Submission:

Labcorp Genetics (formerly Invitae), Labcorp
Classification: Uncertain significance. Last evaluated: 2023-10-03. Review status: criteria provided, single submitter. Criteria: Invitae Variant Classification Sherloc (09022015). Collection method: clinical testing. Allele origin: germline.
Comment: This sequence change replaces arginine, which is basic and polar, with glutamine, which is neutral and polar, at codon 63 of the ASNS protein (p.Arg63Gln). The frequency data for this variant in the population databases is considered unreliable, as metrics indicate poor data quality at this position in the gnomAD database. This variant has not been reported in the literature in individuals affected with ASNS-related conditions. ClinVar contains an entry for this variant (Variation ID: 2161645). Advanced modeling of protein sequence and biophysical properties (such as structural, functional, and spatial information, amino acid conservation, physicochemical variation, residue mobility, and thermodynamic stability) performed at Invitae indicates that this missense variant is not expected to disrupt ASNS protein function. In summary, the available evidence is currently insufficient to determine the role of this variant in disease. Therefore, it has been classified as a Variant of Uncertain Significance.